The following is an entry in ClinVar:

NM_000540.3(RYR1):c.4178A>G (p.Lys1393Arg)

Gene: RYR1 (ryanodine receptor 1; plus strand). Cytogenetic location: 19q13.2.
Variant type: single nucleotide variant.
Coding change: c.4178A>G on transcript NM_000540.3 (MANE Select); coding-DNA position 4178, A replaced by G.
Protein change: p.Lys1393Arg; replaces lysine 1393 with arginine.
Molecular consequence: missense variant.
Genome position (GRCh38, 1-based): chr19:38,475,335, A>G. VCF-style: chr19-38475335-A-G. GRCh37 (hg19) VCF-style: chr19-38965975-A-G.
Other names: p.K1393R:AAG>AGG; NM_000540.2(RYR1):c.4178A>G; c.4178A>G, p.Lys1393Arg (NM_001042723.2); short protein forms K1393R.
Identifiers: ClinVar variation 93269 (VCV000093269.77), dbSNP rs137933390, ClinGen allele CA024433.

ClinVar aggregate classification (germline): Benign. Review status: reviewed by expert panel (3 of 4 stars). 23 submissions from 22 submitters: Benign (1). 22 of the submissions do not count toward it. Last evaluated 2022-01-03.

Conditions:
RYR1-related disorder. Also called: RYR1-related disorders; RYR1-related condition. Identifiers: MedGen CN239331.
Malignant hyperthermia of anesthesia. Also called: Anesthesic-triggered malignant hyperthermia. Identifiers: Orphanet 423, MedGen C0024591, MONDO:0018493, HP:0034733.
Central core myopathy (CMYO1A). Also called: Central core disease; Myopathy, central fibrillar; CONGENITAL MYOPATHY 1A, AUTOSOMAL DOMINANT, WITH SUSCEPTIBILITY TO MALIGNANT HYPERTHERMIA. Identifiers: Orphanet 597, MedGen C5830701, MONDO:0007294, OMIM 117000.
Congenital multicore myopathy with external ophthalmoplegia (CMYO1B). Also called: MULTICORE MYOPATHY; Minicore myopathy with external ophthalmoplegia; Congenital myopathy 1B, autosomal recessive; Minicore myopathy; MULTIMINICORE DISEASE WITH EXTERNAL OPHTHALMOPLEGIA. Identifiers: Orphanet 598, Orphanet 98905, MedGen C1850674, MONDO:0009712, OMIM 255320, HP:0003789.
Malignant hyperthermia, susceptibility to, 1 (MHS1). Also called: Malignant hyperthermia suceptibility 1; Anesthesia related hyperthermia; Malignant hyperpyrexia; Fulminating hyperpyrexia; Pharmacogenic myopathy; RYR1-Related Malignant Hyperthermia Susceptibility. Identifiers: Orphanet 423, MedGen C2930980, MONDO:0007783, OMIM 145600.

Allele frequency attached by ClinVar (database versions not stated): 1000 Genomes Project 30x 0.00125; 1000 Genomes Project 0.00160; gnomAD exomes 0.00273 and 0.00358; ESP Exome Variant Server 0.00431; ExAC 0.00507; gnomAD 0.00279 and 0.00282; TOPMed 0.00304.
gnomAD v4.1: 5,531 of 1,599,366 alleles (0.35%); highest among the groups gnomAD compares: Non-Finnish European, 0.43%; 20 homozygotes.

Submissions 1 to 10 of 23:

ClinGen Malignant Hyperthermia Susceptibility Variant Curation Expert Panel, ClinGen
Classification: Benign for Malignant hyperthermia of anesthesia. Last evaluated: 2022-01-03. Review status: reviewed by expert panel. Criteria: ClinGen MHS ACMG Specifications V1. Collection method: curation. Allele origin: germline. Inheritance: Autosomal dominant inheritance.
Comment: This pathogenicity assessment is relevant only for malignant hyperthermia susceptibility (MHS) inherited in an autosomal dominant pattern. Variants in RYR1 can also cause other myopathies inherited in an autosomal dominant pattern or in an autosomal recessive pattern. Some of these disorders may predispose individuals to malignant hyperthermia. RYR1 variants may also contribute to a malignant hyperthermia reaction in combination with other genetic and non-genetic factors and the clinician needs to consider such factors in making management decisions. This sequence variant predicts a substitution of lysine with arginine at codon 1393 of the RYR1 protein, p.(Lys1393Arg). The maximum allele frequency for this variant among the six major gnomAD populations is NFE: 0.0046, which is considered to be too common for a pathogenic variant causing autosomal dominantly inherited MHS, BA1. This variant has been classified as Benign. Criteria implemented: BA1.

CeGaT Center for Human Genetics Tuebingen
Classification: Likely benign. Last evaluated: 2026-09-01. Review status: criteria provided, single submitter. Criteria: CeGaT Center For Human Genetics Tuebingen Variant Classification Criteria Version 2. Collection method: clinical testing. Allele origin: germline. Affected: yes. Observed: 36 variant alleles. Not counted in ClinVar's aggregate classification.
Comment: RYR1: BS2

Labcorp Genetics (formerly Invitae), Labcorp
Classification: Likely benign for RYR1-related disorder. Last evaluated: 2026-01-28. Review status: criteria provided, single submitter. Criteria: Invitae Variant Classification Sherloc (09022015). Collection method: clinical testing. Allele origin: germline. Not counted in ClinVar's aggregate classification.

Blueprint Genetics
Classification: Likely benign. Last evaluated: 2024-11-19. Review status: criteria provided, single submitter. Criteria: ACMG Guidelines, 2015. Collection method: clinical testing. Allele origin: germline. Not counted in ClinVar's aggregate classification.

Mayo Clinic Laboratories, Mayo Clinic
Classification: Benign. Last evaluated: 2023-04-03. Review status: criteria provided, single submitter. Criteria: ACMG Guidelines, 2015. Collection method: clinical testing. Allele origin: germline. Observed: 9 variant alleles. Not counted in ClinVar's aggregate classification.
Comment: BS1, BS2

Molecular Genetics, Royal Melbourne Hospital
Classification: Likely benign for Malignant hyperthermia, susceptibility to, 1. Last evaluated: 2023-03-30. Review status: criteria provided, single submitter. Criteria: ACMG Guidelines, 2015. Collection method: clinical testing. Allele origin: germline. Affected: yes. Not counted in ClinVar's aggregate classification.
Comment: This sequence change is predicted to replace lysine with arginine at codon 1393 of the RYR1 protein (p.(Lys1393Arg)). The lysine residue is conserved (100 vertebrates, UCSC), and there is a small physicochemical difference between lysine and arginine. It is not in an annotated domain. The variant is present in a large population cohort at a frequency of 0.46% in the European non-Finnish population (rs137933390, gnomAD v2.1.1 and v3.0). In comparison, the variant was present at a frequency of 0.46% in a cohort of individuals with malignant hyperthermia susceptibility (PMID: 24195946). This variant has been seen in at least 13 individuals with malignant hyperthermia susceptibility, including some individuals where another RYR1 variant was identified (PMID: 24195946, 19346234, 25960145, 23558838, 24433488, 25735680, 28326467), as well as being present in individuals with myopathy, rhabdomyolysis and exertional heat stroke (PMID: 22473935, 23628358, 23329375, 26565425, 28496993), although several authors acknowledge the high population frequency and comment that the variant is unlikely to be pathogenic. This variant has been shown not to segregate with the malignant hyperthermia susceptibility phenotype in two unrelated families, although the pedigrees have not been confirmed (PMID: 25658027). It has been reported in at least three further individuals without malignant hyperthermia (PMID: 25614869). Functional data from a lymphoblastoid cell line demonstrated 4-chloro-m-cresol induced calcium release at a lower concentration, however it is unclear whether this is a true reflection of the skeletal myocyte (PMID: 20142353). Multiple lines of computational evidence have conflicting predictions for the missense substitution (4/6 algorithms predict benign/neutral effect, 1/6 algorithms predict deleterious effect, 1/6 algorithms have an unknown prediction). Based on the classification guidelines RMH Modified ACMG Guidelines v1.3.0, this variant is classified as LIKELY BENIGN. The following criteria are met: BS1, BP5.

Color Diagnostics, LLC DBA Color Health
Classification: Likely benign for Malignant hyperthermia, susceptibility to, 1. Last evaluated: 2022-07-12. Review status: criteria provided, single submitter. Criteria: ACMG Guidelines, 2015. Collection method: clinical testing. Allele origin: germline. Not counted in ClinVar's aggregate classification.

ARUP Laboratories, Molecular Genetics and Genomics, ARUP Laboratories
Classification: Uncertain significance. Last evaluated: 2022-04-01. Review status: criteria provided, single submitter. Criteria: ARUP Molecular Germline Variant Investigation Process 2021. Collection method: clinical testing. Allele origin: germline. Not counted in ClinVar's aggregate classification.
Comment: The RYR1 c.4178A>G, p.Lys1393Arg variant (rs137933390) has been identified in several individuals with clinical suspicion for malignant hyperthermia susceptibility (MHS) syndrome or other related myopathy (Bick 2017, Gillies 2015, Loseth 2013, Vukcevic 2010). Additionally, a cell line isolated from an MHS patient showed increased sensitivity to 4-chloro-m-cresol (Vukcevic 2010). However, variant has been identified at high allele frequency in several control populations, and is found in the non-Finnish European population with an allele frequency of 0.46% (537/ 115776 alleles, including 2 homozygotes) in the Genome Aggregation Database. Due to this high population frequency, the ClinGen Malignant Hyperthermia Susceptibility Variant Curation Expert Panel considers this variant benign with respect to autosomal dominant MHS (ClinVar Variation ID: 93269). However, this population frequency alone is not high enough alone to rule out a potential role with respect to the recessive myopathies associated with loss of function variation in RYR1. Therefore, while considered benign for MHS specifically, the overall classification of this variant is uncertain. References: Bick D et al. Successful Application of Whole Genome Sequencing in a Medical Genetics Clinic. J Pediatr Genet. 2017 Jun;6(2):61-76. PMID: 28496993 Gillies RL et al. Analysis of the entire ryanodine receptor type 1 and alpha 1 subunit of the dihydropyridine receptor (CACNA1S) coding regions for variants associated with malignant hyperthermia in Australian families. Anaesth Intensive Care. 2015 Mar;43(2):157-66. PMID: 25735680. Loseth S et al. A novel late-onset axial myopathy associated with mutations in the skeletal muscle ryanodine receptor (RYR1) gene. J Neurol. 2013 Jun;260(6):1504-10. PMID: 23329375. Vukcevic M et al. Functional properties of RYR1 mutations identified in Swedish patients with malignant hyperthermia and central core disease. Anesth Analg. 2010 Jul;111(1):185-90. PMID: 20142353.

GeneDx
Classification: Likely benign. Last evaluated: 2020-10-06. Review status: criteria provided, single submitter. Criteria: GeneDx Variant Classification Process June 2021. Collection method: clinical testing. Allele origin: germline. Affected: yes. Not counted in ClinVar's aggregate classification.
Comment: Reported previously in individuals with features of RYR1-related disorders, but familial segregation information was not always included and some individuals were noted to have other potentially causative variants (Vukcevic et al., 2010; Dlamini et al., 2013; Loseth et al., 2013; Gillies et al., 2015); In silico analysis, which includes protein predictors and evolutionary conservation, supports that this variant does not alter protein structure/function; This variant is associated with the following publications: (PMID: 26332594, 20142353, 27153395, 25637381, 25985138, 23329375, 24195946, 25735680, 23628358, 28496993, 30788618, 30916033)

Mendelics
Classification: Benign for Malignant hyperthermia, susceptibility to, 1. Last evaluated: 2019-05-28. Review status: criteria provided, single submitter. Criteria: Mendelics Assertion Criteria 2017. Collection method: clinical testing. Allele origin: unknown. Not counted in ClinVar's aggregate classification.